The following is an entry in ClinVar:

ClinVar aggregate classification (germline): Uncertain significance. Review status: criteria provided, multiple submitters, no conflicts (2 of 4 stars). 2 submissions from 2 submitters: Uncertain significance (2). Last evaluated 2025-12-17.

Allele frequency attached by ClinVar (database versions not stated): ExAC 0.00001; gnomAD 0.00002; TOPMed 0.00002; gnomAD exomes 0.00004.
gnomAD v4.1: 62 of 1,614,070 alleles (0.0038%); highest among the groups gnomAD compares: Non-Finnish European, 0.0049%; no homozygotes.

Submissions (2):

Labcorp Genetics (formerly Invitae), Labcorp
Classification: Uncertain significance. Last evaluated: 2025-12-17. Review status: criteria provided, single submitter. Criteria: Invitae Variant Classification Sherloc (09022015). Collection method: clinical testing. Allele origin: germline.
Comment: This sequence change replaces isoleucine, which is neutral and non-polar, with threonine, which is neutral and polar, at codon 968 of the TOPORS protein (p.Ile968Thr). The frequency data for this variant in the population databases is considered unreliable, as metrics indicate poor data quality at this position in the gnomAD database. This variant has not been reported in the literature in individuals affected with TOPORS-related conditions. ClinVar contains an entry for this variant (Variation ID: 1979859). An algorithm developed to predict the effect of missense changes on protein structure and function outputs the following: PolyPhen-2: "Not Available". The threonine amino acid residue is found in multiple mammalian species, which suggests that this missense change does not adversely affect protein function. In summary, the available evidence is currently insufficient to determine the role of this variant in disease. Therefore, it has been classified as a Variant of Uncertain Significance.

Blueprint Genetics
Classification: Uncertain significance. Last evaluated: 2024-08-07. Review status: criteria provided, single submitter. Criteria: ACMG Guidelines, 2015. Collection method: clinical testing. Allele origin: germline.

NM_005802.5(TOPORS):c.2903T>C (p.Ile968Thr)

Gene: TOPORS (TOP1 binding arginine/serine rich protein, E3 ubiquitin ligase; minus strand). Cytogenetic location: 9p21.1.
Variant type: single nucleotide variant.
Coding change: c.2903T>C on transcript NM_005802.5 (MANE Select); coding-DNA position 2903, T replaced by C.
Protein change: p.Ile968Thr; replaces isoleucine 968 with threonine.
Molecular consequence: missense variant.
Genome position (GRCh38, 1-based): chr9:32,541,622, A>G on the plus strand (T>C on the coding strand, the complement: TOPORS is on the minus strand). VCF-style: chr9-32541622-A-G. GRCh37 (hg19) VCF-style: chr9-32541620-A-G.
Other names: c.2708T>C, p.Ile903Thr (NM_001195622.2); short protein forms I903T, I968T.
Identifiers: ClinVar variation 1979859 (VCV001979859.3), dbSNP rs753219301, ClinGen allele CA5020292.